The following is an entry in ClinVar:

ClinVar aggregate classification (germline): Uncertain significance (0 of 4 stars; one submission).

Conditions:
SOS1-related disorder. Also called: SOS1-related condition.

Submission:

PreventionGenetics, part of Exact Sciences
Classification: Uncertain significance for SOS1-related condition. Last evaluated: 2024-01-08. Review status: no assertion criteria provided. Collection method: clinical testing. Allele origin: germline.
Comment: The SOS1 c.570C>G variant is predicted to result in the amino acid substitution p.Asp190Glu. To our knowledge, this variant has not been reported in the literature or in a large population database, indicating this variant is rare. At this time, the clinical significance of this variant is uncertain due to the absence of conclusive functional and genetic evidence.

NM_005633.4(SOS1):c.570C>G (p.Asp190Glu)

Gene: SOS1 (SOS Ras/Rac guanine nucleotide exchange factor 1; minus strand). Cytogenetic location: 2p22.1.
Variant type: single nucleotide variant.
Coding change: c.570C>G on transcript NM_005633.4 (MANE Select); coding-DNA position 570, C replaced by G.
Protein change: p.Asp190Glu; replaces aspartic acid 190 with glutamic acid.
Molecular consequence: missense variant.
Genome position (GRCh38, 1-based): chr2:39,054,764, G>C on the plus strand (C>G on the coding strand, the complement: SOS1 is on the minus strand). VCF-style: chr2-39054764-G-C. GRCh37 (hg19) VCF-style: chr2-39281905-G-C.
Other names: c.549C>G, p.Asp183Glu (NM_001382394.1); c.570C>G, p.Asp190Glu (NM_001382395.1); short protein forms D183E, D190E.
Identifiers: ClinVar variation 3030485 (VCV003030485.2), dbSNP rs55980502, ClinGen allele CA46013332.